The following is an entry in ClinVar:

ClinVar aggregate classification (germline): Pathogenic (1 of 4 stars; one submission).

gnomAD v4.1: 3 of 1,595,982 alleles (0.00019%); highest among the groups gnomAD compares: Admixed American, 0.0051%; no homozygotes.

Submission:

Labcorp Genetics (formerly Invitae), Labcorp
Classification: Pathogenic. Last evaluated: 2025-12-16. Review status: criteria provided, single submitter. Criteria: Invitae Variant Classification Sherloc (09022015). Collection method: clinical testing. Allele origin: germline.
Comment: This sequence change creates a premature translational stop signal (p.Trp295*) in the CANT1 gene. While this is not anticipated to result in nonsense mediated decay, it is expected to disrupt the last 107 amino acid(s) of the CANT1 protein. The frequency data for this variant in the population databases is considered unreliable, as metrics indicate poor data quality at this position in the gnomAD database. This premature translational stop signal has been observed in individual(s) with Desbuquois dysplasia 1 (PMID: 35769956). This variant disrupts a region of the CANT1 protein in which other variant(s) (p.Ser303Alafs*21) have been determined to be pathogenic (PMID: 19853239, 28229453, 29620724). This suggests that this is a clinically significant region of the protein, and that variants that disrupt it are likely to be disease-causing. For these reasons, this variant has been classified as Pathogenic.

Literature cited by the submitters: PubMed 35769956; PubMed 19853239; PubMed 28229453; PubMed 29620724.

NM_001159773.2(CANT1):c.885G>A (p.Trp295Ter)

Gene: CANT1 (calcium activated nucleotidase 1; minus strand). Cytogenetic location: 17q25.3.
Variant type: single nucleotide variant.
Coding change: c.885G>A on transcript NM_001159773.2 (MANE Select); coding-DNA position 885, G replaced by A.
Protein change: p.Trp295Ter; replaces tryptophan 295 with a stop codon.
Molecular consequence: nonsense.
Genome position (GRCh38, 1-based): chr17:78,993,871, C>T on the plus strand (G>A on the coding strand, the complement: CANT1 is on the minus strand). VCF-style: chr17-78993871-C-T. GRCh37 (hg19) VCF-style: chr17-76989953-C-T.
Other names: c.885G>A, p.Trp295Ter (NM_001159772.2, NM_138793.4); short protein forms W295*.
Identifiers: ClinVar variation 4696602 (VCV004696602.1).